The following is an entry in ClinVar:

ClinVar aggregate classification (germline): Uncertain significance (1 of 4 stars; one submission).

Conditions:
Neuropathy, hereditary sensory, type 1F. Also called: Hereditary sensory neuropathy type IF; HSN IF. Identifiers: Orphanet 36386, MedGen C3810194, MONDO:0014286, OMIM 615632.

Allele frequency attached by ClinVar (database versions not stated): TOPMed below 0.00001; gnomAD 0.00001; gnomAD exomes 0.00001.
gnomAD v4.1: 15 of 1,603,598 alleles (0.00094%); highest among the groups gnomAD compares: East Asian, 0.0089%; no homozygotes.

Submission:

Labcorp Genetics (formerly Invitae), Labcorp
Classification: Uncertain significance for Neuropathy, hereditary sensory, type 1F. Last evaluated: 2021-09-14. Review status: criteria provided, single submitter. Criteria: Invitae Variant Classification Sherloc (09022015). Collection method: clinical testing. Allele origin: germline.
Comment: This sequence change replaces glycine with serine at codon 193 of the ATL3 protein (p.Gly193Ser). The glycine residue is highly conserved and there is a small physicochemical difference between glycine and serine. This variant is not present in population databases (ExAC no frequency). This variant has not been reported in the literature in individuals affected with ATL3-related conditions. Algorithms developed to predict the effect of missense changes on protein structure and function are either unavailable or do not agree on the potential impact of this missense change (SIFT: "Deleterious"; PolyPhen-2: "Probably Damaging"; Align-GVGD: "Class C0"). In summary, the available evidence is currently insufficient to determine the role of this variant in disease. Therefore, it has been classified as a Variant of Uncertain Significance.

NM_015459.5(ATL3):c.577G>A (p.Gly193Ser)

Genes: LNCROPM (lncRNA regulator of PLAAT3 mediated phospholipid metabolism; plus strand), ATL3 (atlastin GTPase 3; minus strand). Cytogenetic location: 11q13.1.
Variant type: single nucleotide variant.
Coding change: c.577G>A on transcript NM_015459.5 (MANE Select); coding-DNA position 577, G replaced by A.
Protein change: p.Gly193Ser; replaces glycine 193 with serine.
Molecular consequence: missense variant.
Genome position (GRCh38, 1-based): chr11:63,646,548, C>T on the plus strand (G>A on the coding strand, the complement: ATL3 is on the minus strand). VCF-style: chr11-63646548-C-T. GRCh37 (hg19) VCF-style: chr11-63414020-C-T.
Other names: c.523G>A, p.Gly175Ser (NM_001290048.2); short protein forms G175S, G193S.
Identifiers: ClinVar variation 860961 (VCV000860961.7), dbSNP rs1425321585, ClinGen allele CA381025963.
Genomic context (GRCh38, chr11:63,646,548, plus strand): 5'-TTAAAATAAATATTCTAACCTGGAAAGGCTTTTGGAAAATTTCATCCATTGCCAGACGAC[C>T]GTATTCTGTGAAGAGCTTTAAAAAAGAAGCATTATGGTTTGTAAAGCAAAATTACTTAAA-3'
Protein context (NP_056274.3, residues 183-203): LQQLQLFTEY[Gly193Ser]RLAMDEIFQK